The following is an entry in ClinVar:

NM_152730.6(TBC1D32):c.2350C>T (p.Arg784Ter)

Gene: TBC1D32 (TBC1 domain family member 32; minus strand). Cytogenetic location: 6q22.31.
Variant type: single nucleotide variant.
Coding change: c.2350C>T on transcript NM_152730.6 (MANE Select); coding-DNA position 2350, C replaced by T.
Protein change: p.Arg784Ter; replaces arginine 784 with a stop codon.
Molecular consequence: nonsense. On other transcripts: non-coding transcript variant (1).
Genome position (GRCh38, 1-based): chr6:121,239,084, G>A on the plus strand (C>T on the coding strand, the complement: TBC1D32 is on the minus strand). VCF-style: chr6-121239084-G-A. GRCh37 (hg19) VCF-style: chr6-121560230-G-A.
Other names: c.2350C>T, p.Arg784Ter (NM_001367759.1, NM_001367760.1); short protein forms R784*.
Identifiers: ClinVar variation 3628829 (VCV003628829.2).
Genomic context (GRCh38, chr6:121,239,084, plus strand): 5'-GAAATACTTTTCAAATCTGTGTATTATTAGTCAAATAACTTCTTACCTTTTGACAGCTTC[G>A]GTCAATAGGATCCACTGGAGTAGTTCTGGGATGGGTTACCCTAACATCATCTCTTCCATA-3'

ClinVar aggregate classification (germline): Pathogenic (1 of 4 stars; one submission).

gnomAD v4.1: 46 of 1,582,974 alleles (0.0029%); highest among the groups gnomAD compares: Non-Finnish European, 0.0031%; no homozygotes.

Submission:

Labcorp Genetics (formerly Invitae), Labcorp
Classification: Pathogenic. Last evaluated: 2024-06-10. Review status: criteria provided, single submitter. Criteria: Invitae Variant Classification Sherloc (09022015). Collection method: clinical testing. Allele origin: germline.
Comment: This sequence change creates a premature translational stop signal (p.Arg784*) in the TBC1D32 gene. It is expected to result in an absent or disrupted protein product. Loss-of-function variants in TBC1D32 are known to be pathogenic (PMID: 37768732). This variant is present in population databases (rs367966058, gnomAD 0.003%). This variant has not been reported in the literature in individuals affected with TBC1D32-related conditions. For these reasons, this variant has been classified as Pathogenic.

Literature cited by the submitters: PubMed 37768732.